The following is an entry in ClinVar:

ClinVar aggregate classification (germline): Uncertain significance. Review status: criteria provided, multiple submitters, no conflicts (2 of 4 stars). 4 submissions from 4 submitters: Uncertain significance (4). Last evaluated 2024-11-26.

Conditions:
Cardiovascular phenotype. Identifiers: MedGen CN230736.
Catecholaminergic polymorphic ventricular tachycardia (CVPT). Also called: Catecholamine-induced polymorphic ventricular tachycardia. Identifiers: Orphanet 3286, MedGen C5574922, MONDO:0017990.
Cardiomyopathy (CMYO). Also called: Cardiomyopathies. Identifiers: Orphanet 167848, MedGen C0878544, MONDO:0004994, HP:0001638. Inheritance: Various modes of inheritance.

Allele frequency attached by ClinVar (database versions not stated): gnomAD exomes 0.00001; TOPMed below 0.00001.
gnomAD v4.1: 9 of 1,613,884 alleles (0.00056%); highest among the groups gnomAD compares: Non-Finnish European, 0.00076%; no homozygotes.

Submissions (4):

GeneDx
Classification: Uncertain significance. Last evaluated: 2024-11-26. Review status: criteria provided, single submitter. Criteria: GeneDx Variant Classification Process June 2021. Collection method: clinical testing. Allele origin: germline. Affected: yes.
Comment: Not observed at significant frequency in large population cohorts (gnomAD); In silico analysis indicates that this missense variant does not alter protein structure/function; Has not been previously published as pathogenic or benign to our knowledge; This variant is associated with the following publications: (PMID: 19926015)

All of Us Research Program, National Institutes of Health
Classification: Uncertain significance for Catecholaminergic polymorphic ventricular tachycardia. Last evaluated: 2024-04-16. Review status: criteria provided, single submitter. Criteria: ACMG Guidelines, 2015. Collection method: clinical testing. Allele origin: germline. Inheritance: Autosomal dominant inheritance. Observed: 1 variant allele, 1 heterozygote.
Comment: This missense variant replaces leucine with proline at codon 1322 of the RYR2 protein. Computational prediction suggests that this variant may not impact protein structure and function (internally defined REVEL score threshold <= 0.5, PMID: 27666373). To our knowledge, functional studies have not been reported for this variant. This variant has not been reported in individuals affected with RYR2-related disorders in the literature. This variant has been identified in 1/248948 chromosomes in the general population by the Genome Aggregation Database (gnomAD). The available evidence is insufficient to determine the role of this variant in disease conclusively. Therefore, this variant is classified as a Variant of Uncertain Significance.

This study involves interpretation of variants in research participants for the purpose of population health screening. Participant phenotype was not available at the time of variant classification. Additional details can be found in publication PMID: 35346344, PMCID: PMC8962531

Color Diagnostics, LLC DBA Color Health
Classification: Uncertain significance for Cardiomyopathy. Last evaluated: 2024-03-28. Review status: criteria provided, single submitter. Criteria: ACMG Guidelines, 2015. Collection method: clinical testing. Allele origin: germline.
Comment: This missense variant replaces leucine with proline at codon 1322 of the RYR2 protein. Computational prediction suggests that this variant may not impact protein structure and function. To our knowledge, functional studies have not been reported for this variant. This variant has not been reported in individuals affected with RYR2-related disorders in the literature. This variant has been identified in 1/248948 chromosomes in the general population by the Genome Aggregation Database (gnomAD). The available evidence is insufficient to determine the role of this variant in disease conclusively. Therefore, this variant is classified as a Variant of Uncertain Significance.

Ambry Genetics
Classification: Uncertain significance for Cardiovascular phenotype. Last evaluated: 2023-09-07. Review status: criteria provided, single submitter. Criteria: Ambry Variant Classification Scheme 2023. Collection method: clinical testing. Allele origin: germline.
Comment: The p.L1322P variant (also known as c.3965T>C), located in coding exon 31 of the RYR2 gene, results from a T to C substitution at nucleotide position 3965. The leucine at codon 1322 is replaced by proline, an amino acid with similar properties. This amino acid position is not well conserved in available vertebrate species. In addition, the in silico prediction for this alteration is inconclusive. Since supporting evidence is limited at this time, the clinical significance of this alteration remains unclear.

NM_001035.3(RYR2):c.3965T>C (p.Leu1322Pro)

Genes: RYR2 (ryanodine receptor 2; plus strand), LOC126806067 (BRD4-independent group 4 enhancer GRCh37_chr1:237753258-237754457; plus strand). Cytogenetic location: 1q43.
Variant type: single nucleotide variant.
Coding change: c.3965T>C on transcript NM_001035.3 (MANE Select); coding-DNA position 3965, T replaced by C.
Protein change: p.Leu1322Pro; replaces leucine 1322 with proline.
Molecular consequence: missense variant.
Genome position (GRCh38, 1-based): chr1:237,590,797, T>C. VCF-style: chr1-237590797-T-C. GRCh37 (hg19) VCF-style: chr1-237754097-T-C.
Other names: short protein forms L1322P.
Identifiers: ClinVar variation 2587834 (VCV002587834.5), dbSNP rs1211600968, ClinGen allele CA345397452.